The following is an entry in ClinVar:

ClinVar aggregate classification (germline): Uncertain significance. Review status: criteria provided, multiple submitters, no conflicts (2 of 4 stars). 2 submissions from 2 submitters: Uncertain significance (2). Last evaluated 2024-08-19.

Allele frequency attached by ClinVar (database versions not stated): ESP Exome Variant Server 0.00008.
gnomAD v4.1: 50 of 1,599,628 alleles (0.0031%); highest among the groups gnomAD compares: South Asian, 0.028%; no homozygotes.

Submissions (2):

Blueprint Genetics
Classification: Uncertain significance. Last evaluated: 2024-08-19. Review status: criteria provided, single submitter. Criteria: ACMG Guidelines, 2015. Collection method: clinical testing. Allele origin: germline.

Labcorp Genetics (formerly Invitae), Labcorp
Classification: Uncertain significance. Last evaluated: 2023-05-09. Review status: criteria provided, single submitter. Criteria: Invitae Variant Classification Sherloc (09022015). Collection method: clinical testing. Allele origin: germline.
Comment: In summary, the available evidence is currently insufficient to determine the role of this variant in disease. Therefore, it has been classified as a Variant of Uncertain Significance. Advanced modeling of protein sequence and biophysical properties (such as structural, functional, and spatial information, amino acid conservation, physicochemical variation, residue mobility, and thermodynamic stability) performed at Invitae indicates that this missense variant is not expected to disrupt KCNJ13 protein function. This variant has not been reported in the literature in individuals affected with KCNJ13-related conditions. This variant is present in population databases (rs147221151, gnomAD 0.03%). This sequence change replaces arginine, which is basic and polar, with cysteine, which is neutral and slightly polar, at codon 171 of the KCNJ13 protein (p.Arg171Cys).

NM_002242.4(KCNJ13):c.511C>T (p.Arg171Cys)

Genes: GIGYF2 (GRB10 interacting GYF protein 2; plus strand), KCNJ13 (potassium inwardly rectifying channel subfamily J member 13; minus strand). Cytogenetic location: 2q37.1.
Variant type: single nucleotide variant.
Coding change: c.511C>T on transcript NM_002242.4 (MANE Select); coding-DNA position 511, C replaced by T.
Protein change: p.Arg171Cys; replaces arginine 171 with cysteine.
Molecular consequence: missense variant. On other transcripts: intron variant (4).
Genome position (GRCh38, 1-based): chr2:232,768,763, G>A on the plus strand (C>T on the coding strand, the complement: KCNJ13 is on the minus strand). VCF-style: chr2-232768763-G-A. GRCh37 (hg19) VCF-style: chr2-233633473-G-A.
Other names: c.275C>T, p.Ser92Leu (NM_001172416.1); c.271C>T, p.Arg91Cys (NM_001172417.1); c.532+7327G>A (NM_001103146.3, NM_015575.4, NM_001103147.2 and 1 more transcripts); short protein forms R91C, R171C, S92L.
Identifiers: ClinVar variation 2889299 (VCV002889299.4), dbSNP rs147221151, ClinGen allele CA2170020.
Genomic context (GRCh38, chr2:232,768,763, plus strand): 5'-CTTGGAAGATAAGATTAGGTTTGCCATCCATGTGAGCTACTACTGCTGTGTCAGTAAAGC[G>A]AATTGAAAAAGCTCGATTTTTTGGCCGGGCAATCTTCGCCACAAAAGCACCTAAATAAGA-3'
Protein context (NP_002233.2, residues 161-181): ARPKNRAFSI[Arg171Cys]FTDTAVVAHM